The following is an entry in ClinVar:

NM_005732.4(RAD50):c.3346C>G (p.Leu1116Val)

Gene: RAD50 (RAD50 double strand break repair protein; plus strand). Cytogenetic location: 5q31.1.
Variant type: single nucleotide variant.
Coding change: c.3346C>G on transcript NM_005732.4 (MANE Select); coding-DNA position 3346, C replaced by G.
Protein change: p.Leu1116Val; replaces leucine 1116 with valine.
Molecular consequence: missense variant.
Genome position (GRCh38, 1-based): chr5:132,618,251, C>G. VCF-style: chr5-132618251-C-G. GRCh37 (hg19) VCF-style: chr5-131953943-C-G.
Other names: short protein forms L1116V.
Identifiers: ClinVar variation 659205 (VCV000659205.12), dbSNP rs1554099886, ClinGen allele CA360964948.
Genomic context (GRCh38, chr5:132,618,251, plus strand): 5'-CAATTTCGGGATGCTGAGGAAAAGTATAGAGAAATGATGATTGTTATGAGGACAACAGAA[C>G]TTGTGAACAAGGATCTGGATATTTATTATAAGACTCTTGACCAGTAAGTATTAGACTGGG-3'
Protein context (NP_005723.2, residues 1106-1126): EMMIVMRTTE[Leu1116Val]VNKDLDIYYK

ClinVar aggregate classification (germline): Uncertain significance. Review status: criteria provided, multiple submitters, no conflicts (2 of 4 stars). 2 submissions from 2 submitters: Uncertain significance (2). Last evaluated 2025-01-28.

Conditions:
Hereditary cancer-predisposing syndrome. Also called: Hereditary neoplastic syndrome; Neoplastic Syndromes, Hereditary; Hereditary Cancer Syndrome; Tumor predisposition. Identifiers: Orphanet 140162, MedGen C0027672, MeSH D009386, MONDO:0015356.

Submissions (2):

Quest Diagnostics Nichols Institute San Juan Capistrano
Classification: Uncertain significance. Last evaluated: 2025-01-28. Review status: criteria provided, single submitter. Criteria: Quest Diagnostics criteria. Collection method: clinical testing. Allele origin: unknown.
Comment: The RAD50 c.3346C>G (p.Leu1116Val) variant has not been reported in individuals with RAD50-related conditions in the published literature. It also has not been reported in large, multi-ethnic general populations (Genome Aggregation Database). Analysis of this variant using bioinformatics tools for the prediction of the effect of amino acid changes on protein structure and function yielded predictions that this variant is benign. Based on the available information, we are unable to determine the clinical significance of this variant.

Labcorp Genetics (formerly Invitae), Labcorp
Classification: Uncertain significance for Hereditary cancer-predisposing syndrome. Last evaluated: 2023-05-22. Review status: criteria provided, single submitter. Criteria: Invitae Variant Classification Sherloc (09022015). Collection method: clinical testing. Allele origin: germline.
Comment: This sequence change replaces leucine, which is neutral and non-polar, with valine, which is neutral and non-polar, at codon 1116 of the RAD50 protein (p.Leu1116Val). This variant is not present in population databases (gnomAD no frequency). This variant has not been reported in the literature in individuals affected with RAD50-related conditions. ClinVar contains an entry for this variant (Variation ID: 659205). Advanced modeling of protein sequence and biophysical properties (such as structural, functional, and spatial information, amino acid conservation, physicochemical variation, residue mobility, and thermodynamic stability) has been performed at Invitae for this missense variant, however the output from this modeling did not meet the statistical confidence thresholds required to predict the impact of this variant on RAD50 protein function. In summary, the available evidence is currently insufficient to determine the role of this variant in disease. Therefore, it has been classified as a Variant of Uncertain Significance.